The following is an entry in ClinVar:

ClinVar aggregate classification (germline): Uncertain significance (1 of 4 stars; one submission).

Conditions:
Ullrich congenital muscular dystrophy 2 (UCMD2). Identifiers: Orphanet 75840, MedGen C4225314, MONDO:0014654, OMIM 616470.
Bethlem myopathy 2 (BTHLM2). Identifiers: Orphanet 536516, Orphanet 610, MedGen C4225313, MONDO:0034022, OMIM 616471.

Submission:

Labcorp Genetics (formerly Invitae), Labcorp
Classification: Uncertain significance for Bethlem myopathy 2; Ullrich congenital muscular dystrophy 2. Last evaluated: 2026-01-02. Review status: criteria provided, single submitter. Criteria: Invitae Variant Classification Sherloc (09022015). Collection method: clinical testing. Allele origin: germline.
Comment: This sequence change replaces glutamic acid, which is acidic and polar, with lysine, which is basic and polar, at codon 716 of the COL12A1 protein (p.Glu716Lys). This variant is not present in population databases (gnomAD no frequency). This variant has not been reported in the literature in individuals affected with COL12A1-related conditions. Invitae Evidence Modeling of protein sequence and biophysical properties (such as structural, functional, and spatial information, amino acid conservation, physicochemical variation, residue mobility, and thermodynamic stability) indicates that this missense variant is not expected to disrupt COL12A1 protein function with a negative predictive value of 80%. In summary, the available evidence is currently insufficient to determine the role of this variant in disease. Therefore, it has been classified as a Variant of Uncertain Significance.

NM_004370.6(COL12A1):c.2146G>A (p.Glu716Lys)

Gene: COL12A1 (collagen type XII alpha 1 chain; minus strand). Cytogenetic location: 6q13.
Variant type: single nucleotide variant.
Coding change: c.2146G>A on transcript NM_004370.6 (MANE Select); coding-DNA position 2146, G replaced by A.
Protein change: p.Glu716Lys; replaces glutamic acid 716 with lysine.
Molecular consequence: missense variant. On other transcripts: intron variant (2).
Genome position (GRCh38, 1-based): chr6:75,180,957, C>T on the plus strand (G>A on the coding strand, the complement: COL12A1 is on the minus strand). VCF-style: chr6-75180957-C-T. GRCh37 (hg19) VCF-style: chr6-75890673-C-T.
Other names: c.2146G>A, p.Glu716Lys (NM_001424113.1, NM_001424114.1, NM_001424115.1); c.73+21763G>A (NM_001424116.1, NM_080645.3); short protein forms E716K.
Identifiers: ClinVar variation 4793559 (VCV004793559.1).